The following is an entry in ClinVar:

ClinVar aggregate classification (germline): Likely benign (1 of 4 stars; one submission).

Allele frequency attached by ClinVar (database versions not stated): ExAC 0.00016; gnomAD 0.00020; TOPMed 0.00020; 1000 Genomes Project 30x 0.00031; 1000 Genomes Project 0.00040.
gnomAD v4.1: 256 of 1,543,714 alleles (0.017%); highest among the groups gnomAD compares: Middle Eastern, 0.052%; no homozygotes.

Submission:

CeGaT Center for Human Genetics Tuebingen
Classification: Likely benign. Last evaluated: 2023-09-01. Review status: criteria provided, single submitter. Criteria: CeGaT Center For Human Genetics Tuebingen Variant Classification Criteria Version 2. Collection method: clinical testing. Allele origin: germline. Affected: yes. Observed: 1 variant allele.
Comment: KRTAP10-3: BP4, BP7

NM_198696.3(KRTAP10-3):c.540T>C (p.Pro180=)

Genes: KRTAP10-3 (keratin associated protein 10-3; minus strand), TSPEAR (thrombospondin type laminin G domain and EAR repeats; minus strand). Cytogenetic location: 21q22.3.
Variant type: single nucleotide variant.
Coding change: c.540T>C on transcript NM_198696.3 (MANE Select); coding-DNA position 540, T replaced by C.
Protein change: p.Pro180=; no amino-acid change (proline 180 retained).
Molecular consequence: synonymous variant. On other transcripts: intron variant (2).
Genome position (GRCh38, 1-based): chr21:44,558,176, A>G on the plus strand (T>C on the coding strand, the complement: KRTAP10-3 is on the minus strand). VCF-style: chr21-44558176-A-G. GRCh37 (hg19) VCF-style: chr21-45978059-A-G.
Other names: c.303+9609T>C (NM_144991.3); c.99+9609T>C (NM_001272037.2).
Identifiers: ClinVar variation 2652761 (VCV002652761.24), dbSNP rs587652264, ClinGen allele CA10057809.
Genomic context (GRCh38, chr21:44,558,176, plus strand): 5'-GCGGCAGAGGAGGGACACGCAGGAGGCCGGGCGGCAGCAGCTGGGCTGGCAGGTGGAGGC[A>G]GGGGCACAGCAGGAGGGGATGGGCACACAGCAGGTGGACCTGCACACGGGGCGGCAGAGG-3'
Protein context (NP_941969.2, residues 170-190): CCVPIPSCCA[Pro180=]ASTCQPSCCR